The following is an entry in ClinVar:

ClinVar aggregate classification (germline): Likely pathogenic (1 of 4 stars; one submission).

Conditions:
Autosomal recessive limb-girdle muscular dystrophy type 2J (LGMDR10). Also called: Limb-girdle muscular dystrophy, type 2J; MUSCULAR DYSTROPHY, LIMB-GIRDLE, AUTOSOMAL RECESSIVE 10. Identifiers: Orphanet 140922, MedGen C1837342, MONDO:0012127, OMIM 608807.
Dilated cardiomyopathy 1G (CMD1G). Identifiers: Orphanet 154, MedGen C1858763, MONDO:0011400, OMIM 604145.

Submission:

Labcorp Genetics (formerly Invitae), Labcorp
Classification: Likely pathogenic for Dilated cardiomyopathy 1G; Autosomal recessive limb-girdle muscular dystrophy type 2J. Last evaluated: 2025-02-26. Review status: criteria provided, single submitter. Criteria: Invitae Variant Classification Sherloc (09022015). Collection method: clinical testing. Allele origin: germline.
Comment: This sequence change creates a premature translational stop signal (p.Asn23406Lysfs*4) in the TTN gene. While this is not anticipated to result in nonsense mediated decay, it is expected to create a truncated TTN protein. This variant is not present in population databases (gnomAD no frequency). This variant has not been reported in the literature in individuals affected with TTN-related conditions. This variant is located in the A band of TTN (PMID: 25589632). Truncating variants in this region are significantly overrepresented in patients affected with dilated cardiomyopathy (PMID: 25589632). Truncating variants in this region have also been reported in individuals affected with autosomal recessive centronuclear myopathy (PMID: 23975875). In summary, the currently available evidence indicates that the variant is pathogenic, but additional data are needed to prove that conclusively. Therefore, this variant has been classified as Likely Pathogenic.

Literature cited by the submitters: PubMed 25589632; PubMed 23975875.

NM_001267550.2(TTN):c.70217dup (p.Asn23406fs)

Genes: TTN-AS1 (TTN antisense RNA 1; plus strand), TTN (titin; minus strand), LOC126806422 (BRD4-independent group 4 enhancer GRCh37_chr2:179440205-179441404; plus strand). Cytogenetic location: 2q31.2.
Variant type: Duplication.
Coding change: c.70217dup on transcript NM_001267550.2 (MANE Select); coding-DNA position 70217, one base duplicated (A; older notation c.70217dupA).
Protein change: p.Asn23406fs; shifts the reading frame from asparagine 23406.
Molecular consequence: frameshift variant.
Genome position (GRCh38, 1-based): chr2:178,575,915, T duplicated on the plus strand (A on the coding strand, the reverse complement: TTN is on the minus strand); the first of 2 consecutive T bases (chr2:178,575,915-178,575,916); duplicating either gives the same sequence. VCF-style (leftmost placement, unchanged base first): chr2-178575914-G-GT. GRCh37 (hg19) VCF-style: chr2-179440641-G-GT.
Other names: c.65294dup, p.Asn21765fs (NM_001256850.1); c.43022dup, p.Asn14341fs (NM_003319.4); c.62513dup, p.Asn20838fs (NM_133378.4); c.43397dup, p.Asn14466fs (NM_133432.3); c.43598dup, p.Asn14533fs (NM_133437.4); short protein forms N21765fs, N14341fs, N14533fs, N14466fs, N20838fs, N23406fs.
Identifiers: ClinVar variation 4789709 (VCV004789709.1).